The following is an entry in ClinVar:

NM_000020.3(ACVRL1):c.375dup (p.Val126fs)

Gene: ACVRL1 (activin A receptor like type 1; plus strand). Cytogenetic location: 12q13.13.
Variant type: Duplication.
Coding change: c.375dup on transcript NM_000020.3 (MANE Select); coding-DNA position 375, one base duplicated (C; older notation c.375dupC).
Protein change: p.Val126fs; shifts the reading frame from valine 126.
Molecular consequence: frameshift variant.
Genome position (GRCh38, 1-based): chr12:51,913,620, C duplicated; the last of 4 consecutive C bases (chr12:51,913,617-51,913,620); duplicating any one gives the same sequence. VCF-style (leftmost placement, unchanged base first): chr12-51913616-G-GC. GRCh37 (hg19) VCF-style: chr12-52307400-G-GC.
Other names: c.375dup, p.Val126fs (NM_001077401.2); short protein forms V126fs.
Identifiers: ClinVar variation 982485 (VCV000982485.1), dbSNP rs1940751760, ClinGen allele CA1139662697.
Genomic context (GRCh38, chr12:51,913,616, plus strand): 5'-CAGCCACCCAACCTCCTTCGGAGCAGCCGGGAACAGATGGCCAGCTGGCCCTGATCCTGG[G>GC]CCCCGTGCTGGCCTTGCTGGCCCTGGTGGCCCTGGGTGTCCTGGGCCTGTGGCATGTCCG-3'

ClinVar aggregate classification (germline): Pathogenic (1 of 4 stars; one submission).

Conditions:
Telangiectasia, hereditary hemorrhagic, type 2 (HHT2). Also called: Telangiectasia, hereditary hemorrhagic, type II; ACVRL1-Related Hereditary Hemorrhagic Telangiectasia. Identifiers: Orphanet 774, MedGen C1838163, MONDO:0010880, OMIM 600376. Disease mechanism: loss of function.

Submission:

NIHR Bioresource Rare Diseases, University of Cambridge
Classification: Pathogenic for Telangiectasia, hereditary hemorrhagic, type 2. Last evaluated: 2018-01-01. Review status: criteria provided, single submitter. Criteria: ACMG Guidelines, 2015. Collection method: research. Allele origin: unknown. Affected: yes. Observed: 1 variant allele.
Comment: PVS1+PM2+PP4

Literature cited by the submitters: PubMed 32573726.